The following is an entry in ClinVar:

NM_000360.4(TH):c.-7C>T

Gene: TH (tyrosine hydroxylase; minus strand). Cytogenetic location: 11p15.5.
Variant type: single nucleotide variant.
Coding change: c.-7C>T on transcript NM_000360.4 (MANE Select); 7 bases upstream of the start codon, C replaced by T.
Molecular consequence: 5 prime UTR variant.
Genome position (GRCh38, 1-based): chr11:2,171,793, G>A on the plus strand (C>T on the coding strand, the complement: TH is on the minus strand). VCF-style: chr11-2171793-G-A. GRCh37 (hg19) VCF-style: chr11-2193023-G-A.
Other names: c.-7C>T (NM_199292.3, NM_199293.3).
Identifiers: ClinVar variation 878637 (VCV000878637.4), dbSNP rs199925956, ClinGen allele CA5818898.

ClinVar aggregate classification (germline): Likely benign (1 of 4 stars; one submission).

Conditions:
TH-deficient dopa-responsive dystonia. Also called: Tyrosine Hydroxylase-Deficient Dopa-Responsive Dystonia; DYT-TH; Segawa syndrome, autosomal recessive. Identifiers: Orphanet 101150, MedGen C2673535, MONDO:0011551, OMIM 605407.

Allele frequency attached by ClinVar (database versions not stated): gnomAD 0.00098 and 0.00088; 1000 Genomes Project 0.00080; ESP Exome Variant Server 0.00131; ExAC 0.00033; gnomAD exomes 0.00028 and 0.00009; 1000 Genomes Project 30x 0.00094; TOPMed 0.00120.
gnomAD v4.1: 275 of 1,610,416 alleles (0.017%); highest among the groups gnomAD compares: African/African-American, 0.34%; 1 homozygote.

Submission:

Illumina Laboratory Services, Illumina
Classification: Likely benign for TH-deficient dopa-responsive dystonia. Last evaluated: 2018-01-13. Review status: criteria provided, single submitter. Criteria: ICSL Variant Classification Criteria 13 December 2019. Collection method: clinical testing. Allele origin: germline.
Comment: This variant was observed in the ICSL laboratory as part of a predisposition screen in an ostensibly healthy population. It had not been previously curated by ICSL or reported in the Human Gene Mutation Database (HGMD: prior to June 1st, 2018), and was therefore a candidate for classification through an automated scoring system. Utilizing variant allele frequency, disease prevalence and penetrance estimates, and inheritance mode, an automated score was calculated to assess if this variant is too frequent to cause the disease. Based on the score and internal cut-off values, a variant classified as likely benign is not then subjected to further curation. The score for this variant resulted in a classification of likely benign for this disease.